The following is an entry in ClinVar:

NM_002838.5(PTPRC):c.1721A>G (p.Tyr574Cys)

Gene: PTPRC (protein tyrosine phosphatase receptor type C; plus strand). Cytogenetic location: 1q32.1.
Variant type: single nucleotide variant.
Coding change: c.1721A>G on transcript NM_002838.5 (MANE Select); coding-DNA position 1721, A replaced by G.
Protein change: p.Tyr574Cys; replaces tyrosine 574 with cysteine.
Molecular consequence: missense variant.
Genome position (GRCh38, 1-based): chr1:198,728,340, A>G. VCF-style: chr1-198728340-A-G. GRCh37 (hg19) VCF-style: chr1-198697469-A-G.
Other names: c.1238A>G, p.Tyr413Cys (NM_080921.4); c.1715A>G (NM_002838.3); short protein forms Y574C, Y413C.
Identifiers: ClinVar variation 655281 (VCV000655281.3), dbSNP rs376098272, ClinGen allele CA1314883.

ClinVar aggregate classification (germline): Uncertain significance. Review status: criteria provided, multiple submitters, no conflicts (2 of 4 stars). 3 submissions from 3 submitters: Uncertain significance (3). Last evaluated 2025-03-24.

Conditions:
Inborn genetic diseases. Identifiers: MedGen C0950123, MeSH D030342.
Immunodeficiency 104. Also called: Severe combined immunodeficiency, autosomal recessive, T cell-negative, B cell-positive, NK cell-positive; Severe Combined Immune Deficiency, Autosomal Recessive, TCell -Negative, B Cell-Positive, NK Cell-Positive, IL7R-Related; IMMUNODEFICIENCY 104, SEVERE COMBINED; SCID, AUTOSOMAL RECESSIVE, T CELL-NEGATIVE, B CELL-POSITIVE, NK CELL-POSITIVE. Identifiers: MedGen C5676890, MONDO:0012163, OMIM 608971.

Allele frequency attached by ClinVar (database versions not stated): ExAC 0.00002; gnomAD exomes 0.00002; TOPMed 0.00002; gnomAD 0.00004; ESP Exome Variant Server 0.00015.
gnomAD v4.1: 33 of 1,610,586 alleles (0.002%); highest among the groups gnomAD compares: Non-Finnish European, 0.0028%; no homozygotes.

Submissions (3):

Ambry Genetics
Classification: Uncertain significance for Inborn genetic diseases. Last evaluated: 2025-03-24. Review status: criteria provided, single submitter. Criteria: Ambry Variant Classification Scheme 2023. Collection method: clinical testing. Allele origin: germline.

Blueprint Genetics
Classification: Uncertain significance. Last evaluated: 2024-04-21. Review status: criteria provided, single submitter. Criteria: ACMG Guidelines, 2015. Collection method: clinical testing. Allele origin: germline.

Labcorp Genetics (formerly Invitae), Labcorp
Classification: Uncertain significance for Severe combined immunodeficiency, autosomal recessive, T cell-negative, B cell-positive, NK cell-positive. Last evaluated: 2018-12-16. Review status: criteria provided, single submitter. Criteria: Invitae Variant Classification Sherloc (09022015). Collection method: clinical testing. Allele origin: germline.
Comment: This sequence change replaces tyrosine with cysteine at codon 574 of the PTPRC protein (p.Tyr574Cys). The tyrosine residue is highly conserved and there is a large physicochemical difference between tyrosine and cysteine. This variant is present in population databases (rs376098272, ExAC 0.005%). This variant has not been reported in the literature in individuals with PTPRC-related conditions. Algorithms developed to predict the effect of missense changes on protein structure and function are either unavailable or do not agree on the potential impact of this missense change (SIFT: "Deleterious"; PolyPhen-2: "Benign"; Align-GVGD: "Class C0"). Algorithms developed to predict the effect of sequence changes on RNA splicing suggest that this variant may create or strengthen a splice site, but this prediction has not been confirmed by published transcriptional studies. In summary, the available evidence is currently insufficient to determine the role of this variant in disease. Therefore, it has been classified as a Variant of Uncertain Significance.